The following is an entry in ClinVar:

NM_001165963.4(SCN1A):c.242A>G (p.Asp81Gly)

Gene: SCN1A (sodium voltage-gated channel alpha subunit 1; minus strand). Cytogenetic location: 2q24.3.
Variant type: single nucleotide variant.
Coding change: c.242A>G on transcript NM_001165963.4 (MANE Select); coding-DNA position 242, A replaced by G.
Protein change: p.Asp81Gly; replaces aspartic acid 81 with glycine.
Molecular consequence: missense variant. On other transcripts: 5 prime UTR variant (1), non-coding transcript variant (1).
Genome position (GRCh38, 1-based): chr2:166,073,380, T>C on the plus strand (A>G on the coding strand, the complement: SCN1A is on the minus strand). VCF-style: chr2-166073380-T-C. GRCh37 (hg19) VCF-style: chr2-166929890-T-C.
Other names: c.242A>G, p.Asp81Gly (NM_001165964.3, NM_001202435.3, NM_001353948.2 and 10 more transcripts); c.-2184A>G (NM_001353961.2); short protein forms D81G.
Identifiers: ClinVar variation 830315 (VCV000830315.14), dbSNP rs1684663181, ClinGen allele CA349242686.

ClinVar aggregate classification (germline): Conflicting classifications of pathogenicity. Review status: criteria provided, conflicting classifications (1 of 4 stars). 2 submissions from 2 submitters: Pathogenic (1); Uncertain significance (1). Last evaluated 2024-02-24.

Conditions:
Severe myoclonic epilepsy in infancy (DRVT). Also called: Dravet syndrome; SEVERE MYOCLONIC EPILEPSY OF INFANCY; DEVELOPMENTAL AND EPILEPTIC ENCEPHALOPATHY 6A; Severe Myoclonic Epilepsy in Infancy (SMEI); Epileptic encephalopathy, early infantile, 6 (Dravet syndrome). Identifiers: Orphanet 33069, MedGen C0751122, MONDO:0100135, OMIM 607208.
Generalized epilepsy with febrile seizures plus, type 2 (GEFSP2). Also called: GEFS+, TYPE 2. Identifiers: Orphanet 36387, MedGen C1858673, MONDO:0011461, OMIM 604403.
Early-infantile DEE. Also called: Early infantile epileptic encephalopathy; Ohtahara syndrome; Early infantile epileptic encephalopathy with suppression bursts. Identifiers: Orphanet 1934, MedGen C0393706, MONDO:0800491.

Submissions (2):

Labcorp Genetics (formerly Invitae), Labcorp
Classification: Pathogenic for Early-infantile DEE. Last evaluated: 2024-02-24. Review status: criteria provided, single submitter. Criteria: Invitae Variant Classification Sherloc (09022015). Collection method: clinical testing. Allele origin: germline.
Comment: This sequence change replaces aspartic acid, which is acidic and polar, with glycine, which is neutral and non-polar, at codon 81 of the SCN1A protein (p.Asp81Gly). This variant is not present in population databases (gnomAD no frequency). This missense change has been observed in individual(s) with Dravet syndrome (PMID: 35944423). ClinVar contains an entry for this variant (Variation ID: 830315). Advanced modeling of protein sequence and biophysical properties (such as structural, functional, and spatial information, amino acid conservation, physicochemical variation, residue mobility, and thermodynamic stability) performed at Invitae indicates that this missense variant is expected to disrupt SCN1A protein function with a positive predictive value of 95%. This variant disrupts the p.Asp81 amino acid residue in SCN1A. Other variant(s) that disrupt this residue have been determined to be pathogenic (PMID: 26169758, 27236449, 29745119). This suggests that this residue is clinically significant, and that variants that disrupt this residue are likely to be disease-causing. For these reasons, this variant has been classified as Pathogenic.

Diagnostics Services (NGS), CSIR - Centre For Cellular And Molecular Biology
Classification: Uncertain significance for Generalized epilepsy with febrile seizures plus, type 2; Severe myoclonic epilepsy in infancy. Last evaluated: 2020-03-04. Review status: criteria provided, single submitter. Criteria: ACMG Guidelines, 2015. Collection method: clinical testing. Allele origin: unknown. Inheritance: Autosomal dominant inheritance. Affected: yes. Observed: 1 heterozygote.
Comment: The c.242A>G variant is not present in publicly available databases like 1000 Genomes, Exome Variant Server (EVS), Exome Aggregation Consortium (ExAC), Genome Aggregation Database (gnomAD) and dbSNP. The variant is not present in our in-house exome database. The variant is also not present in our in-house exome database. The variant was not reported earlier to OMIM, ClinVar or HGMD databases. In-silico pathogenicity prediction programs like SIFT, PolyPhen2, MutationTaster2, CADD etc. predicted this variant as likely deleterious, however there are no existing functional studies to prove this. Due to lack of enough evidence the variant has been classified as uncertain significance.

Literature cited by the submitters: PubMed 35944423 (cited by Labcorp Genetics (formerly Invitae), Labcorp); PubMed 26169758 (cited by Labcorp Genetics (formerly Invitae), Labcorp); PubMed 27236449 (cited by Labcorp Genetics (formerly Invitae), Labcorp); PubMed 29745119 (cited by Labcorp Genetics (formerly Invitae), Labcorp).